The following is an entry in ClinVar:

NM_020693.4(DSCAML1):c.5045T>A (p.Ile1682Asn)

Gene: DSCAML1 (DS cell adhesion molecule like 1; minus strand). Cytogenetic location: 11q23.3.
Variant type: single nucleotide variant.
Coding change: c.5045T>A on transcript NM_020693.4 (MANE Select); coding-DNA position 5045, T replaced by A.
Protein change: p.Ile1682Asn; replaces isoleucine 1682 with asparagine.
Molecular consequence: missense variant.
Genome position (GRCh38, 1-based): chr11:117,432,486, A>T on the plus strand (T>A on the coding strand, the complement: DSCAML1 is on the minus strand). VCF-style: chr11-117432486-A-T. GRCh37 (hg19) VCF-style: chr11-117303202-A-T.
Other names: short protein forms I1682N.
Identifiers: ClinVar variation 1499311 (VCV001499311.6), dbSNP rs759050432, ClinGen allele CA6296168.

ClinVar aggregate classification (germline): Uncertain significance (1 of 4 stars; one submission).

Allele frequency attached by ClinVar (database versions not stated): TOPMed below 0.00001; ExAC 0.00001; gnomAD 0.00001 and 0.00002; gnomAD exomes 0.00001.
gnomAD v4.1: 22 of 1,614,000 alleles (0.0014%); highest among the groups gnomAD compares: East Asian, 0.0045%; 1 homozygote.

Submission:

Labcorp Genetics (formerly Invitae), Labcorp
Classification: Uncertain significance. Last evaluated: 2023-04-15. Review status: criteria provided, single submitter. Criteria: Invitae Variant Classification Sherloc (09022015). Collection method: clinical testing. Allele origin: germline.
Comment: In summary, the available evidence is currently insufficient to determine the role of this variant in disease. Therefore, it has been classified as a Variant of Uncertain Significance. An algorithm developed to predict the effect of missense changes on protein structure and function (PolyPhen-2) suggests that this variant is likely to be disruptive. ClinVar contains an entry for this variant (Variation ID: 1499311). This variant has not been reported in the literature in individuals affected with DSCAML1-related conditions. This variant is present in population databases (rs759050432, gnomAD 0.0009%). This sequence change replaces isoleucine, which is neutral and non-polar, with asparagine, which is neutral and polar, at codon 1742 of the DSCAML1 protein (p.Ile1742Asn).